The following is an entry in ClinVar:

NM_001282493.2(GOLGA8K):c.505C>T (p.Arg169Cys)

Gene: GOLGA8K (golgin A8 family member K). Cytogenetic location: 15q13.3.
Variant type: single nucleotide variant.
Coding change: c.505C>T on transcript NM_001282493.2 (MANE Select); coding-DNA position 505, C replaced by T.
Protein change: p.Arg169Cys; replaces arginine 169 with cysteine.
Molecular consequence: missense variant.
Genome position (GRCh38, 1-based): chr15:32,398,646, G>A on the plus strand (C>T on the coding strand, the complement: GOLGA8K is on the minus strand). VCF-style: chr15-32398646-G-A. GRCh37 (hg19) VCF-style: chr15-32690847-G-A.
Other names: short protein forms R169C.
Identifiers: ClinVar variation 2645121 (VCV002645121.24), dbSNP rs1219837162, ClinGen allele CA391901010.
Genomic context (GRCh38, chr15:32,398,646, plus strand): 5'-CCATGACATTAGAGAGAACACTCTCTAACTCTCCTTTACGCTGCAATGAATGTTGCAGGC[G>A]GACAGCCAGATCCTTGGACTTTTCTGTAATGAGAGAGTTGAGATGGGGCCCAAAGGACTC-3'
Protein context (NP_001269422.1, residues 159-179): FEEKSKDLAV[Arg169Cys]LQHSLQRKGE

ClinVar aggregate classification (germline): Likely benign (1 of 4 stars; one submission).

Allele frequency attached by ClinVar (database versions not stated): 1000 Genomes Project 30x 0.00125; gnomAD exomes 0.00191.

Submission:

CeGaT Center for Human Genetics Tuebingen
Classification: Likely benign. Last evaluated: 2023-01-01. Review status: criteria provided, single submitter. Criteria: CeGaT Center For Human Genetics Tuebingen Variant Classification Criteria Version 2. Collection method: clinical testing. Allele origin: germline. Affected: yes. Observed: 1 variant allele.
Comment: GOLGA8K: BP4, BS2